The following is an entry in ClinVar:

ClinVar aggregate classification (germline): Uncertain significance (1 of 4 stars; one submission).

Submission:

Labcorp Genetics (formerly Invitae), Labcorp
Classification: Uncertain significance. Last evaluated: 2024-04-05. Review status: criteria provided, single submitter. Criteria: Invitae Variant Classification Sherloc (09022015). Collection method: clinical testing. Allele origin: germline.
Comment: This sequence change falls in intron 47 of the POLE gene. It does not directly change the encoded amino acid sequence of the POLE protein. This variant is not present in population databases (gnomAD no frequency). This variant has not been reported in the literature in individuals affected with POLE-related conditions. Algorithms developed to predict the effect of sequence changes on RNA splicing suggest that this variant may disrupt the consensus splice site. In summary, the available evidence is currently insufficient to determine the role of this variant in disease. Therefore, it has been classified as a Variant of Uncertain Significance.

NM_006231.4(POLE):c.6658-10T>A

Gene: POLE (DNA polymerase epsilon, catalytic subunit; minus strand). Cytogenetic location: 12q24.33.
Variant type: single nucleotide variant.
Coding change: c.6658-10T>A on transcript NM_006231.4 (MANE Select); 10 bases into the intron before coding-DNA position 6658, T replaced by A.
Molecular consequence: intron variant.
Genome position (GRCh38, 1-based): chr12:132,625,004, A>T on the plus strand (T>A on the coding strand, the complement: POLE is on the minus strand). VCF-style: chr12-132625004-A-T. GRCh37 (hg19) VCF-style: chr12-133201590-A-T.
Identifiers: ClinVar variation 3717227 (VCV003717227.2).